The following is an entry in ClinVar:

ClinVar aggregate classification (germline): Benign (1 of 4 stars; one submission).

Conditions:
Hereditary spastic paraplegia 4. Also called: Spastic paraplegia 4, autosomal dominant; Spastic Paraplegia 4; Familial spastic paraplegia autosomal dominant 2. Identifiers: Orphanet 100985, MedGen C1866855, MONDO:0008438, OMIM 182601.

Allele frequency attached by ClinVar (database versions not stated): TOPMed 0.00023; 1000 Genomes Project 0.00060; 1000 Genomes Project 30x 0.00062; gnomAD 0.00138 and 0.00146; gnomAD exomes 0.00939.
gnomAD v4.1: 210 of 152,480 alleles (0.14%); highest among the groups gnomAD compares: Non-Finnish European, 0.043%; 1 homozygote.

Submission:

Illumina Laboratory Services, Illumina
Classification: Benign for Hereditary spastic paraplegia 4. Last evaluated: 2018-01-13. Review status: criteria provided, single submitter. Criteria: ICSL Variant Classification Criteria 13 December 2019. Collection method: clinical testing. Allele origin: germline.
Comment: This variant was observed in the ICSL laboratory as part of a predisposition screen in an ostensibly healthy population. It had not been previously curated by ICSL or reported in the Human Gene Mutation Database (HGMD: prior to June 1st, 2018), and was therefore a candidate for classification through an automated scoring system. Utilizing variant allele frequency, disease prevalence and penetrance estimates, and inheritance mode, an automated score was calculated to assess if this variant is too frequent to cause the disease. Based on the score and internal cut-off values, a variant classified as benign is not then subjected to further curation. The score for this variant resulted in a classification of benign for this disease.

NM_014946.4(SPAST):c.*819C>T

Gene: SPAST (spastin; plus strand). Cytogenetic location: 2p22.3.
Variant type: single nucleotide variant.
Coding change: c.*819C>T on transcript NM_014946.4 (MANE Select); 819 bases downstream of the stop codon, C replaced by T.
Molecular consequence: 3 prime UTR variant.
Genome position (GRCh38, 1-based): chr2:32,155,315, C>T. VCF-style: chr2-32155315-C-T. GRCh37 (hg19) VCF-style: chr2-32380384-C-T.
Other names: c.*819C>T (NM_001363823.2, NM_001363875.2, NM_199436.2); c.*943C>T (NM_001377959.1).
Identifiers: ClinVar variation 335853 (VCV000335853.5), dbSNP rs186529600, ClinGen allele CA10613237.